The following is an entry in ClinVar:

ClinVar aggregate classification (germline): Likely pathogenic. Review status: criteria provided, multiple submitters, no conflicts (2 of 4 stars). 3 submissions from 3 submitters: Likely pathogenic (2). 1 of the submissions does not count toward it. Last evaluated 2024-02-14.

Conditions:
Charcot-Marie-Tooth disease. Also called: Charcot-Marie-Tooth Hereditary Neuropathy; Charcot-Marie-Tooth Neuropathy. Identifiers: Orphanet 166, MedGen C0007959, MONDO:0015626.
Charcot-Marie-Tooth Neuropathy X. Identifiers: MedGen CN118851.
Charcot-Marie-Tooth disease X-linked dominant 1. Also called: CHARCOT-MARIE-TOOTH NEUROPATHY, X-LINKED, 1; CHARCOT-MARIE-TOOTH PERONEAL MUSCULAR ATROPHY, X-LINKED; GJB1 Disorders: Charcot-Marie-Tooth Neuropathy (CMT1X) and Central Nervous System Phenotypes; HEREDITARY MOTOR AND SENSORY NEUROPATHY, X-LINKED; HMSN, X-LINKED; Charcot-Marie-Tooth Neuropathy X Type 1. Identifiers: Orphanet 101075, MedGen C0393808, MONDO:0010549, OMIM 302800.

Submissions (3):

3billion
Classification: Likely pathogenic for Charcot-Marie-Tooth disease X-linked dominant 1. Last evaluated: 2024-02-14. Review status: criteria provided, single submitter. Criteria: ACMG Guidelines, 2015. Collection method: clinical testing. Allele origin: germline. Affected: yes.
Comment: The variant is not observed in the gnomAD v2.1.1 dataset. Predicted Consequence/Location: Missense variant In silico tool predictions suggest damaging effect of the variant on gene or gene product [REVEL: 0.98 (>=0.6, sensitivity 0.68 and specificity 0.92); 3Cnet: 0.99 (>=0.6, sensitivity 0.72 and precision 0.9)]. Same nucleotide change resulting in same amino acid change has been previously reported to be associated with GJB1-related disorder (ClinVar ID: VCV000216293 /PMID: 12477701).Different missense changes at the same codon (p.Thr55Arg, p.Thr55Ile) have been reported as pathogenic/likely pathogenic with strong evidence (ClinVar ID: VCV000010446 /PMID: 10220155, 12185164 /3billion dataset). Therefore, this variant is classified as Likely pathogenic according to the recommendation of ACMG/AMP guideline.

Labcorp Genetics (formerly Invitae), Labcorp
Classification: Likely pathogenic for Charcot-Marie-Tooth Neuropathy X. Last evaluated: 2022-11-29. Review status: criteria provided, single submitter. Criteria: Invitae Variant Classification Sherloc (09022015). Collection method: clinical testing. Allele origin: germline.
Comment: This missense change has been observed in individuals with Charcot-Marie-Tooth disease (PMID: 12477701). In summary, the currently available evidence indicates that the variant is pathogenic, but additional data are needed to prove that conclusively. Therefore, this variant has been classified as Likely Pathogenic. This variant disrupts the p.Thr55 amino acid residue in GJB1. Other variant(s) that disrupt this residue have been observed in individuals with GJB1-related conditions (PMID: 10220155, 11271367, 12185164), which suggests that this may be a clinically significant amino acid residue. Advanced modeling of protein sequence and biophysical properties (such as structural, functional, and spatial information, amino acid conservation, physicochemical variation, residue mobility, and thermodynamic stability) performed at Invitae indicates that this missense variant is expected to disrupt GJB1 protein function. ClinVar contains an entry for this variant (Variation ID: 216293). This variant is not present in population databases (gnomAD no frequency). This sequence change replaces threonine, which is neutral and polar, with alanine, which is neutral and non-polar, at codon 55 of the GJB1 protein (p.Thr55Ala).

Inherited Neuropathy Consortium
Classification: Uncertain significance for Charcot-Marie-Tooth disease. Review status: no assertion criteria provided. Collection method: literature only. Allele origin: germline. Affected: yes. Not counted in ClinVar's aggregate classification.

Literature cited by the submitters: PubMed 12477701 (cited by 3 submitters); PubMed 10220155 (cited by 3billion and Labcorp Genetics (formerly Invitae), Labcorp); PubMed 11271367 (cited by Labcorp Genetics (formerly Invitae), Labcorp); PubMed 12185164 (cited by Labcorp Genetics (formerly Invitae), Labcorp).

NM_000166.6(GJB1):c.163A>G (p.Thr55Ala)

Gene: GJB1 (gap junction protein beta 1; plus strand). Cytogenetic location: Xq13.1.
Variant type: single nucleotide variant.
Coding change: c.163A>G on transcript NM_000166.6 (MANE Select); coding-DNA position 163, A replaced by G.
Protein change: p.Thr55Ala; replaces threonine 55 with alanine.
Molecular consequence: missense variant.
Genome position (GRCh38, 1-based): chrX:71,223,870, A>G. VCF-style: chrX-71223870-A-G. GRCh37 (hg19) VCF-style: chrX-70443720-A-G.
Other names: c.163A>G, p.Thr55Ala (NM_001097642.3); short protein forms T55A.
Identifiers: ClinVar variation 216293 (VCV000216293.10), dbSNP rs863224613, ClinGen allele CA339416.